The following is an entry in ClinVar:

ClinVar aggregate classification (germline): Uncertain significance (1 of 4 stars; one submission).

Conditions:
Epileptic encephalopathy. Identifiers: MedGen C0543888, HP:0200134.

Allele frequency attached by ClinVar (database versions not stated): gnomAD exomes 0.00001 and 0.00002; ExAC 0.00002.
gnomAD v4.1: 11 of 1,613,486 alleles (0.00068%); highest among the groups gnomAD compares: Admixed American, 0.0033%; no homozygotes.

Submission:

Labcorp Genetics (formerly Invitae), Labcorp
Classification: Uncertain significance for Epileptic encephalopathy. Last evaluated: 2024-06-20. Review status: criteria provided, single submitter. Criteria: Invitae Variant Classification Sherloc (09022015). Collection method: clinical testing. Allele origin: germline.
Comment: This sequence change replaces arginine, which is basic and polar, with glutamine, which is neutral and polar, at codon 475 of the GABBR2 protein (p.Arg475Gln). This variant is present in population databases (rs762426467, gnomAD 0.006%). This variant has not been reported in the literature in individuals affected with GABBR2-related conditions. ClinVar contains an entry for this variant (Variation ID: 1446434). Advanced modeling of protein sequence and biophysical properties (such as structural, functional, and spatial information, amino acid conservation, physicochemical variation, residue mobility, and thermodynamic stability) performed at Invitae indicates that this missense variant is not expected to disrupt GABBR2 protein function with a negative predictive value of 80%. In summary, the available evidence is currently insufficient to determine the role of this variant in disease. Therefore, it has been classified as a Variant of Uncertain Significance.

NM_005458.8(GABBR2):c.1424G>A (p.Arg475Gln)

Gene: GABBR2 (gamma-aminobutyric acid type B receptor subunit 2; minus strand). Cytogenetic location: 9q22.33.
Variant type: single nucleotide variant.
Coding change: c.1424G>A on transcript NM_005458.8 (MANE Select); coding-DNA position 1424, G replaced by A.
Protein change: p.Arg475Gln; replaces arginine 475 with glutamine.
Molecular consequence: missense variant.
Genome position (GRCh38, 1-based): chr9:98,388,959, C>T on the plus strand (G>A on the coding strand, the complement: GABBR2 is on the minus strand). VCF-style: chr9-98388959-C-T. GRCh37 (hg19) VCF-style: chr9-101151241-C-T.
Other names: short protein forms R475Q.
Identifiers: ClinVar variation 1446434 (VCV001446434.6), dbSNP rs762426467, ClinGen allele CA5152715.